The following is an entry in ClinVar:

ClinVar aggregate classification (germline): Pathogenic (1 of 4 stars; one submission).

Conditions:
Noonan syndrome 5 (NS5). Also called: RAF1-Related Noonan Syndrome. Identifiers: Orphanet 648, MedGen C1969057, MONDO:0012690, OMIM 611553. Disease mechanism: gain of function.

Submission:

Laboratory of Otorhinolaryngology, Head and Neck Surgery, Inje University Ilsan Paik Hospital
Classification: Pathogenic for Noonan syndrome 5. Last evaluated: 2024-03-30. Review status: criteria provided, single submitter. Criteria: ACMG Guidelines, 2015. Collection method: clinical testing. Allele origin: germline. Affected: yes.
Comment: The c.784_786dup variant in RAF1 has not been previously reported with suspected or confirmed Noonan syndrome. This variant is not present in population databases (gnomAD no frequency). It is expected to result in an absent or disrupted protein product due to gain-of-function variants in RAF1 ib RASopathies (PMID: 17603483). In summary, this variant meets criteria to be classified as pathogenic for Noonan syndrome based on the ACMG/AMP criteria.

NM_002880.4(RAF1):c.784_786dup (p.Asn262_Val263insAsn)

Gene: RAF1 (Raf-1 proto-oncogene, serine/threonine kinase; minus strand). Cytogenetic location: 3p25.2.
Variant type: Duplication.
Coding change: c.784_786dup on transcript NM_002880.4 (MANE Select); coding-DNA positions 784 to 786, 3 bases duplicated (AAT; older notation c.784_786dupAAT).
Protein change: p.Asn262_Val263insAsn.
Molecular consequence: non-coding transcript variant (on NR_148940.3).
Genome position (GRCh38, 1-based): chr3:12,604,184-12,604,186, ATT duplicated on the plus strand (AAT on the coding strand, the reverse complement: RAF1 is on the minus strand); duplicating any 3 consecutive bases within chr3:12,604,184-12,604,187 gives the same sequence; the c. name uses the placement nearest the transcript's 3' end. VCF-style (leftmost placement, unchanged base first): chr3-12604183-C-CATT. GRCh37 (hg19) VCF-style: chr3-12645682-C-CATT.
Other names: c.784_786dup, p.Asn262_Val263insAsn (NM_001354689.3, NM_001354690.3); c.541_543dup, p.Asn181_Val182insAsn (NM_001354691.3, NM_001354692.3, NM_001354694.3); c.685_687dup, p.Asn229_Val230insAsn (NM_001354693.3); c.442_444dup, p.Asn148_Val149insAsn (NM_001354695.3).
Identifiers: ClinVar variation 3338001 (VCV003338001.2).